The following is an entry in ClinVar:

ClinVar aggregate classification (germline): Uncertain significance (1 of 4 stars; one submission).

Allele frequency attached by ClinVar (database versions not stated): gnomAD exomes below 0.00001; TOPMed below 0.00001.
gnomAD v4.1: 4 of 1,592,252 alleles (0.00025%); highest among the groups gnomAD compares: Non-Finnish European, 0.00026%; no homozygotes.

Submission:

GeneDx
Classification: Uncertain significance. Last evaluated: 2022-09-19. Review status: criteria provided, single submitter. Criteria: GeneDx Variant Classification Process June 2021. Collection method: clinical testing. Allele origin: germline. Affected: yes.
Comment: Not observed at significant frequency in large population cohorts (gnomAD); In silico analysis supports that this missense variant does not alter protein structure/function; Has not been previously published as pathogenic or benign to our knowledge

NM_000744.7(CHRNA4):c.1490A>G (p.Asp497Gly)

Gene: CHRNA4 (cholinergic receptor nicotinic alpha 4 subunit; minus strand). Cytogenetic location: 20q13.33.
Variant type: single nucleotide variant.
Coding change: c.1490A>G on transcript NM_000744.7 (MANE Select); coding-DNA position 1490, A replaced by G.
Protein change: p.Asp497Gly; replaces aspartic acid 497 with glycine.
Molecular consequence: missense variant. On other transcripts: non-coding transcript variant (1).
Genome position (GRCh38, 1-based): chr20:63,349,921, T>C on the plus strand (A>G on the coding strand, the complement: CHRNA4 is on the minus strand). VCF-style: chr20-63349921-T-C. GRCh37 (hg19) VCF-style: chr20-61981273-T-C.
Other names: c.962A>G, p.Asp321Gly (NM_001256573.2); short protein forms D321G, D497G.
Identifiers: ClinVar variation 2444525 (VCV002444525.1), dbSNP rs2068558243, ClinGen allele CA409633363.